The following is an entry in ClinVar:

NM_001371727.1(GABRB2):c.438C>G (p.Gly146=)

Gene: GABRB2 (gamma-aminobutyric acid type A receptor subunit beta2; minus strand). Cytogenetic location: 5q34.
Variant type: single nucleotide variant.
Coding change: c.438C>G on transcript NM_001371727.1 (MANE Select); coding-DNA position 438, C replaced by G.
Protein change: p.Gly146=; no amino-acid change (glycine 146 retained).
Molecular consequence: synonymous variant.
Genome position (GRCh38, 1-based): chr5:161,459,644, G>C on the plus strand (C>G on the coding strand, the complement: GABRB2 is on the minus strand). VCF-style: chr5-161459644-G-C. GRCh37 (hg19) VCF-style: chr5-160886650-G-C.
Other names: p.Gly146=; c.438C>G, p.Gly146= (NM_000813.3, NM_021911.3).
Identifiers: ClinVar variation 383092 (VCV000383092.16), dbSNP rs2964779, ClinGen allele CA3543605.

ClinVar aggregate classification (germline): Benign. Review status: criteria provided, multiple submitters, no conflicts (2 of 4 stars). 5 submissions from 5 submitters: Benign (4). 1 of the submissions does not count toward it. Last evaluated 2026-02-03.

Conditions:
GABRB2-related disorder. Also called: GABRB2-related condition.
Intellectual disability. Also called: Intellectual functioning disability; intellectual disabilities; Intellectual developmental disorder. Identifiers: MedGen C3714756, MeSH D008607, MONDO:0001071, HP:0001249.

Allele frequency attached by ClinVar (database versions not stated): gnomAD 0.00546 and 0.00576; gnomAD exomes 0.00065 and 0.00152; ExAC 0.00181; 1000 Genomes Project 0.00719; ESP Exome Variant Server 0.00538; TOPMed 0.00616; 1000 Genomes Project 30x 0.00734.
gnomAD v4.1: 1,850 of 1,614,006 alleles (0.11%); highest among the groups gnomAD compares: African/African-American, 1.8%; 20 homozygotes.

Submissions (5):

Labcorp Genetics (formerly Invitae), Labcorp
Classification: Benign for Intellectual disability. Last evaluated: 2026-02-03. Review status: criteria provided, single submitter. Criteria: Invitae Variant Classification Sherloc (09022015). Collection method: clinical testing. Allele origin: germline.

Mayo Clinic Laboratories, Mayo Clinic
Classification: Benign. Last evaluated: 2019-06-12. Review status: criteria provided, single submitter. Criteria: ACMG Guidelines, 2015. Collection method: clinical testing. Allele origin: germline. Observed: 5 variant alleles.

Athena Diagnostics
Classification: Benign. Last evaluated: 2017-12-27. Review status: criteria provided, single submitter. Criteria: Athena Diagnostics Criteria. Collection method: clinical testing. Allele origin: germline.

GeneDx
Classification: Benign. Last evaluated: 2016-02-12. Review status: criteria provided, single submitter. Criteria: GeneDx Variant Classification (06012015). Collection method: clinical testing. Allele origin: germline. Affected: yes.
Comment: This variant is considered likely benign or benign based on one or more of the following criteria: it is a conservative change, it occurs at a poorly conserved position in the protein, it is predicted to be benign by multiple in silico algorithms, and/or has population frequency not consistent with disease.

PreventionGenetics, part of Exact Sciences
Classification: Benign for GABRB2-related condition. Last evaluated: 2020-01-07. Review status: no assertion criteria provided. Collection method: clinical testing. Allele origin: germline. Not counted in ClinVar's aggregate classification.
Comment: This variant is classified as benign based on ACMG/AMP sequence variant interpretation guidelines (Richards et al. 2015 PMID: 25741868, with internal and published modifications).